The following is an entry in ClinVar:

ClinVar aggregate classification (germline): Likely benign (0 of 4 stars; one submission).

Conditions:
ZFHX3-related disorder. Also called: ZFHX3-related condition.

Allele frequency attached by ClinVar (database versions not stated): gnomAD exomes 0.00006; ExAC 0.00018; gnomAD 0.00052; TOPMed 0.00054; ESP Exome Variant Server 0.00077; 1000 Genomes Project 30x 0.00094; 1000 Genomes Project 0.00100.
gnomAD v4.1: 159 of 1,613,824 alleles (0.0099%); highest among the groups gnomAD compares: African/African-American, 0.18%; no homozygotes.

Submissions (2):

PreventionGenetics, part of Exact Sciences
Classification: Likely benign for ZFHX3-related condition. Last evaluated: 2019-05-20. Review status: no assertion criteria provided. Collection method: clinical testing. Allele origin: germline.
Comment: This variant is classified as likely benign based on ACMG/AMP sequence variant interpretation guidelines (Richards et al. 2015 PMID: 25741868, with internal and published modifications).

Dr. Peter K. Rogan Lab, Western University
No classification provided (evidence only). Condition: Colon adenocarcinoma. Review status: no classification provided. Collection method: in vitro. Allele origin: not applicable. Functional consequence: retained intron. Not counted in ClinVar's aggregate classification.

NM_006885.4(ZFHX3):c.1341C>T (p.Gly447=)

Gene: ZFHX3 (zinc finger homeobox 3; minus strand). Cytogenetic location: 16q22.3.
Variant type: single nucleotide variant.
Coding change: c.1341C>T on transcript NM_006885.4 (MANE Select); coding-DNA position 1341, C replaced by T.
Protein change: p.Gly447=; no amino-acid change (glycine 447 retained).
Molecular consequence: synonymous variant. On other transcripts: intron variant (1).
Genome position (GRCh38, 1-based): chr16:72,958,805, G>A on the plus strand (C>T on the coding strand, the complement: ZFHX3 is on the minus strand). VCF-style: chr16-72958805-G-A. GRCh37 (hg19) VCF-style: chr16-72992704-G-A.
Other names: NC_000016.9:g.72992704G>A; c.1341C>T, p.Gly447= (NM_001386735.1); c.-23-7840C>T (NM_001164766.2).
Identifiers: ClinVar variation 3042051 (VCV003042051.3), dbSNP rs148524035, ClinGen allele CA8164765.